The following is an entry in ClinVar:

NM_003738.5(PTCH2):c.2651A>G (p.Glu884Gly)

Gene: PTCH2 (patched 2; minus strand). Cytogenetic location: 1p34.1.
Variant type: single nucleotide variant.
Coding change: c.2651A>G on transcript NM_003738.5 (MANE Select); coding-DNA position 2651, A replaced by G.
Protein change: p.Glu884Gly; replaces glutamic acid 884 with glycine.
Molecular consequence: missense variant.
Genome position (GRCh38, 1-based): chr1:44,826,946, T>C on the plus strand (A>G on the coding strand, the complement: PTCH2 is on the minus strand). VCF-style: chr1-44826946-T-C. GRCh37 (hg19) VCF-style: chr1-45292618-T-C.
Other names: c.2651A>G, p.Glu884Gly (NM_001166292.2); short protein forms E884G.
Identifiers: ClinVar variation 1715514 (VCV001715514.6), dbSNP rs2521952384, ClinGen allele CA340094189.
Genomic context (GRCh38, chr1:44,826,946, plus strand): 5'-TCCCCCCAAGACTCACTGCGAAGGTTCTCCCCCGTGGTGTCGTATTTGTCGTGCAGCCAT[T>C]CAGGAGGTGGGGGGTAGAAGTTGGCCTGTGAGGCTGCCAGACCCAGGGGGTCACTGCTCA-3'
Protein context (NP_003729.3, residues 874-894): SQANFYPPPP[Glu884Gly]WLHDKYDTTG

ClinVar aggregate classification (germline): Uncertain significance (1 of 4 stars; one submission).

Conditions:
Gorlin syndrome. Also called: Nevoid Basal Cell Carcinoma Syndrome; Basal cell nevus syndrome. Identifiers: Orphanet 377, MedGen C0004779, MONDO:0007187.

Submission:

Labcorp Genetics (formerly Invitae), Labcorp
Classification: Uncertain significance for Gorlin syndrome. Last evaluated: 2022-08-07. Review status: criteria provided, single submitter. Criteria: Invitae Variant Classification Sherloc (09022015). Collection method: clinical testing. Allele origin: germline.
Comment: Algorithms developed to predict the effect of missense changes on protein structure and function (SIFT, PolyPhen-2, Align-GVGD) all suggest that this variant is likely to be tolerated. In summary, the available evidence is currently insufficient to determine the role of this variant in disease. Therefore, it has been classified as a Variant of Uncertain Significance. This variant has not been reported in the literature in individuals affected with PTCH2-related conditions. This variant is not present in population databases (gnomAD no frequency). This sequence change replaces glutamic acid, which is acidic and polar, with glycine, which is neutral and non-polar, at codon 884 of the PTCH2 protein (p.Glu884Gly).